The following is an entry in ClinVar:

ClinVar aggregate classification (germline): Uncertain significance. Review status: criteria provided, multiple submitters, no conflicts (2 of 4 stars). 2 submissions from 2 submitters: Uncertain significance (2). Last evaluated 2025-01-07.

Allele frequency attached by ClinVar (database versions not stated): gnomAD 0.00001; TOPMed 0.00001.
gnomAD v4.1: 14 of 1,614,102 alleles (0.00087%); highest among the groups gnomAD compares: Admixed American, 0.0033%; no homozygotes.

Submissions (2):

Ambry Genetics
Classification: Uncertain significance. Last evaluated: 2025-01-07. Review status: criteria provided, single submitter. Criteria: Ambry Variant Classification Scheme 2023. Collection method: clinical testing. Allele origin: germline.

Labcorp Genetics (formerly Invitae), Labcorp
Classification: Uncertain significance. Last evaluated: 2024-12-09. Review status: criteria provided, single submitter. Criteria: Invitae Variant Classification Sherloc (09022015). Collection method: clinical testing. Allele origin: germline.
Comment: This sequence change replaces tyrosine, which is neutral and polar, with aspartic acid, which is acidic and polar, at codon 65 of the GRXCR2 protein (p.Tyr65Asp). This variant is present in population databases (rs757365290, gnomAD 0.01%). This variant has not been reported in the literature in individuals affected with GRXCR2-related conditions. ClinVar contains an entry for this variant (Variation ID: 1931158). An algorithm developed to predict the effect of missense changes on protein structure and function (PolyPhen-2) suggests that this variant is likely to be disruptive. In summary, the available evidence is currently insufficient to determine the role of this variant in disease. Therefore, it has been classified as a Variant of Uncertain Significance.

NM_001080516.2(GRXCR2):c.193T>G (p.Tyr65Asp)

Gene: GRXCR2 (glutaredoxin and cysteine rich domain containing 2; minus strand). Cytogenetic location: 5q32.
Variant type: single nucleotide variant.
Coding change: c.193T>G on transcript NM_001080516.2 (MANE Select); coding-DNA position 193, T replaced by G.
Protein change: p.Tyr65Asp; replaces tyrosine 65 with aspartic acid.
Molecular consequence: missense variant.
Genome position (GRCh38, 1-based): chr5:145,872,776, A>C on the plus strand (T>G on the coding strand, the complement: GRXCR2 is on the minus strand). VCF-style: chr5-145872776-A-C. GRCh37 (hg19) VCF-style: chr5-145252339-A-C.
Other names: c.193T>G (NM_001080516.1); short protein forms Y65D.
Identifiers: ClinVar variation 1931158 (VCV001931158.6), dbSNP rs757365290, ClinGen allele CA3488091.